The following is an entry in ClinVar:

ClinVar aggregate classification (germline): Uncertain significance (1 of 4 stars; one submission).

Submission:

Women's Health and Genetics/Laboratory Corporation of America, LabCorp
Classification: Uncertain significance. Last evaluated: 2026-01-12. Review status: criteria provided, single submitter. Criteria: LabCorp Variant Classification Summary - May 2015. Collection method: clinical testing. Allele origin: germline.
Comment: Variant summary: GCH1 c.554T>G (p.Leu185Arg) results in a non-conservative amino acid change in the encoded protein sequence. Algorithms developed to predict the effect of missense changes on protein structure and function all suggest that this variant is likely to be disruptive. The variant was absent in 251250 control chromosomes. The available data on variant occurrences in the general population are insufficient to allow any conclusion about variant significance. To our knowledge, no occurrence of c.554T>G in individuals affected with GCH1-related conditions and no experimental evidence demonstrating its impact on protein function have been reported. No submitters have cited clinical-significance assessments for this variant to ClinVar. Based on the evidence outlined above, the variant was classified as uncertain significance.

NM_000161.3(GCH1):c.554T>G (p.Leu185Arg)

Gene: GCH1 (GTP cyclohydrolase 1; minus strand). Cytogenetic location: 14q22.2.
Variant type: single nucleotide variant.
Coding change: c.554T>G on transcript NM_000161.3 (MANE Select); coding-DNA position 554, T replaced by G.
Protein change: p.Leu185Arg; replaces leucine 185 with arginine.
Molecular consequence: missense variant. On other transcripts: intron variant (1).
Genome position (GRCh38, 1-based): chr14:54,845,840, A>C on the plus strand (T>G on the coding strand, the complement: GCH1 is on the minus strand). VCF-style: chr14-54845840-A-C. GRCh37 (hg19) VCF-style: chr14-55312558-A-C.
Other names: c.554T>G, p.Leu185Arg (NM_001024024.2, NM_001024070.2, NM_001024071.2); c.260T>G, p.Leu87Arg (NM_001424105.1); c.510-2786T>G (NM_001424104.1); short protein forms L185R, L87R.
Identifiers: ClinVar variation 4689489 (VCV004689489.1).